The following is an entry in ClinVar:

ClinVar aggregate classification (germline): Likely pathogenic (1 of 4 stars; one submission).

Conditions:
Tuberous sclerosis 2 (TSC2). Identifiers: Orphanet 805, MedGen C1860707, MONDO:0013199, OMIM 613254.

Submission:

Service of Pediatric Gastrohepatology and Metabolic Diseases, University of Medicine of Tirana
Classification: Likely pathogenic for Tuberous sclerosis 2. Last evaluated: 2026-04-29. Review status: criteria provided, single submitter. Criteria: ACMG Guidelines, 2015. Collection method: clinical testing. Allele origin: germline. Inheritance: Autosomal dominant inheritance. Affected: yes. Observed: 1 variant allele.
Comment: TSC2 c.5068+1G>C was classified as Likely pathogenic using ACMG/AMP 2015 criteria (PMID:25741868). This canonical splice-donor variant supports PVS1/splice loss-of-function evidence in TSC2, with PM2 for rarity/absence in population databases when reviewed and PP4 for clinical consistency with tuberous sclerosis complex 2 (OMIM:613254).

NM_000548.5(TSC2):c.5068+1G>C

Gene: TSC2 (TSC complex subunit 2; plus strand). Cytogenetic location: 16p13.3.
Variant type: single nucleotide variant.
Coding change: c.5068+1G>C on transcript NM_000548.5 (MANE Select); the canonical splice donor site of the intron after coding-DNA position 5068, G replaced by C.
Molecular consequence: splice donor variant.
Genome position (GRCh38, 1-based): chr16:2,087,942, G>C. VCF-style: chr16-2087942-G-C. GRCh37 (hg19) VCF-style: chr16-2137943-G-C.
Other names: c.3526+1G>C (NM_001406693.1, NM_001406692.1, NM_001406694.1); c.4960+1G>C (NM_001406667.1); c.4957+1G>C (NM_001406668.1); c.4468+1G>C (NM_001406680.1); c.4399+1G>C (NM_001406683.1, NM_001406682.1); c.4267+1G>C (NM_001406687.1, NM_001406688.1); c.3655+1G>C (NM_001406689.1); c.3595+1G>C (NM_001406690.1); and 26 more.
Identifiers: ClinVar variation 4849581 (VCV004849581.1).